The following continues an entry in ClinVar:

NM_000053.4(ATP7B):c.2930C>T (p.Thr977Met)

Gene: ATP7B. ClinVar aggregate classification (germline): Pathogenic. Pathogenic (24).

Submissions 21 to 25 of 25:

Women's Health and Genetics/Laboratory Corporation of America, LabCorp
Classification: Pathogenic for Wilson disease. Last evaluated: 2019-10-28. Review status: criteria provided, single submitter. Criteria: LabCorp Variant Classification Summary - May 2015. Collection method: clinical testing. Allele origin: germline.
Comment: Variant summary: ATP7B c.2930C>T (p.Thr977Met) results in a non-conservative amino acid change in the encoded protein sequence. Five of five in-silico tools predict a damaging effect of the variant on protein function. The variant allele was found at a frequency of 8.4e-05 in 249606 control chromosomes (gnomAD). This frequency is not significantly higher than expected for a pathogenic variant in ATP7B causing Wilson Disease (8.4e-05 vs 0.0054), allowing no conclusion about variant significance. c.2930C>T has been reported in the literature in multiple individuals (both compound heterozygous and homozygous state) affected with Wilson Disease (e.g. Loudianos_1998, Vrabelova_2005, Aggarwal_2013). These data indicate that the variant is very likely to be associated with disease. In yeast complementation assays, based on the ability of ATP7B to complement the high-affinity iron-uptake deficiency of the yeast mutant ccc2, the variant resulted in a nonfunctional protein that is completely unable to complement ccc2 mutant yeast (Forbes_1998). Five ClinVar submitters (evaluation after 2014) cite the variant as pathogenic. Based on the evidence outlined above, the variant was classified as pathogenic.

Eurofins Ntd Llc (ga)
Classification: Pathogenic. Last evaluated: 2016-01-05. Review status: criteria provided, single submitter. Criteria: EGL Classification Definitions. Collection method: clinical testing. Allele origin: germline. Observed: 12 variant alleles, 12 heterozygotes.

Ambry Genetics
Classification: Pathogenic for Inborn genetic diseases. Last evaluated: 2015-10-31. Review status: criteria provided, single submitter. Criteria: Ambry Variant Classification Scheme 2023. Collection method: clinical testing. Allele origin: germline.
Comment: The p.T977M pathogenic mutation (also known as c.2930C>T), located in coding exon 13 of the ATP7B gene, results from a C to T substitution at nucleotide position 2930. The threonine at codon 977 is replaced by methionine, an amino acid with similar properties. This mutation has been detected in multiple individuals with clinical diagnoses of Wilson disease in both the homozygous and heterozygous forms (Weiss KH, et al. J. Inherit. Metab. Dis. 2010;33 Suppl 3():S233-40; Chabik G, et al. J. Inherit. Metab. Dis. 2014;37(1):131-5; Waldenstr&ouml;m E, et al. Genomics 1996;37(3):303-9). In addition, one yeast complementation assay showed that this protein is unable to complement the ccc2 mutant yeast, even when over expressed (Forbes JR, et al. Am. J. Hum. Genet. 1998;63(6):1663-74). A separate study, using homology modeling of the ATP7B core, showed that the 977 position is sensitive to mutations (Schushan M, et al. Metallomics 2012;4(7):669-78). Based on the supporting evidence, p.T977M is interpreted as a disease-causing mutation.

Arcensus
Classification: Pathogenic for Wilson disease. Last evaluated: 2013-02-01. Review status: criteria provided, single submitter. Criteria: ACMG Guidelines, 2015. Collection method: clinical testing. Allele origin: germline. Affected: yes.

Genetic Services Laboratory, University of Chicago
Classification: Pathogenic for Wilson disease. Last evaluated: 2021-12-01. Review status: no assertion criteria provided. Collection method: clinical testing. Allele origin: germline. Affected: yes. Not counted in ClinVar's aggregate classification.
Comment: DNA sequence analysis of the ATP7B gene demonstrated a sequence change, c.2930C>T, in exon 13 that results in an amino acid change, p.Thr977Met. The p.Thr977Met change affects a highly conserved amino acid residue located in a transmembrane domain of the ATP7B protein. The p.Thr977Met substitution appears to be deleterious using several in-silico pathogenicity prediction tools (SIFT, PolyPhen2, Align GVGD, REVEL). This pathogenic sequence change has previously been reported in multiple individuals with Wilson disease in both homozygous and compound heterozygous states (PMID: 27022412, 32291276, 11857545,20517649). This sequence change has been described in the gnomAD database with a frequency of 0.012% in the non-Finnish European subpopulation (dbSNP rs72552255). Yeast complementation assay showed that this sequence change resulted in a nonfunctional protein and was unable to complement ccc2 mutant yeast (PMID: 9837819). These collective evidences indicate that this sequence change is pathogenic.

Literature cited by the submitters: PubMed 8938442 (cited by 8 submitters); PubMed 11857545 (cited by 5 submitters); PubMed 17272994 (cited by 4 submitters); PubMed 18483695 (cited by 3 submitters); PubMed 20517649 (cited by 4 submitters); PubMed 21610751 (cited by 4 submitters); PubMed 21682854 (cited by 4 submitters); PubMed 22774841 (cited by 3 submitters); PubMed 23551039 (cited by 6 submitters); PubMed 9837819 (cited by 8 submitters); PubMed 35220961 (cited by Natera, Inc. and New York Genome Center); PubMed 35103209 (cited by New York Genome Center); PubMed 12754702 (cited by New York Genome Center); PubMed 32043565 (cited by New York Genome Center); PubMed 32291276 (cited by New York Genome Center and Mayo Clinic Laboratories, Mayo Clinic); PubMed 9671269 (cited by 3 submitters); PubMed 10502777 (cited by 3 submitters); PubMed 15967699 (cited by 3 submitters); PubMed 23518715 (cited by 4 submitters); PubMed 23774950 (cited by 4 submitters); PubMed 27022412 (cited by All of Us Research Program, National Institutes of Health and Color Diagnostics, LLC DBA Color Health); PubMed 28488633 (cited by 3 submitters); PubMed 28753182 (cited by 3 submitters); PubMed 29163329 (cited by 3 submitters); PubMed 30230192 (cited by 3 submitters); PubMed 31059521 (cited by 3 submitters); PubMed 35245129 (cited by All of Us Research Program, National Institutes of Health and Color Diagnostics, LLC DBA Color Health); PubMed 30576569 (cited by Mayo Clinic Laboratories, Mayo Clinic); PubMed 15952988 (cited by Laboratory for Molecular Medicine, Mass General Brigham Personalized Medicine); PubMed 22692182 (cited by Ambry Genetics).